The following is an entry in ClinVar:

ClinVar aggregate classification (germline): Uncertain significance (1 of 4 stars; one submission).

Conditions:
Tuberous sclerosis 1 (TSC1). Identifiers: Orphanet 805, MedGen C1854465, MONDO:0008612, OMIM 191100.

Allele frequency attached by ClinVar (database versions not stated): gnomAD exomes below 0.00001; ExAC 0.00001; gnomAD 0.00001.

Submission:

Labcorp Genetics (formerly Invitae), Labcorp
Classification: Uncertain significance for Tuberous sclerosis 1. Last evaluated: 2022-06-08. Review status: criteria provided, single submitter. Criteria: Invitae Variant Classification Sherloc (09022015). Collection method: clinical testing. Allele origin: germline.
Comment: In summary, the available evidence is currently insufficient to determine the role of this variant in disease. Therefore, it has been classified as a Variant of Uncertain Significance. Algorithms developed to predict the effect of missense changes on protein structure and function (SIFT, PolyPhen-2, Align-GVGD) all suggest that this variant is likely to be tolerated. ClinVar contains an entry for this variant (Variation ID: 845808). This variant has not been reported in the literature in individuals affected with TSC1-related conditions. This variant is present in population databases (rs773160913, gnomAD 0.002%). This sequence change replaces leucine, which is neutral and non-polar, with phenylalanine, which is neutral and non-polar, at codon 400 of the TSC1 protein (p.Leu400Phe).

NM_000368.5(TSC1):c.1198C>T (p.Leu400Phe)

Gene: TSC1 (TSC complex subunit 1; minus strand). Cytogenetic location: 9q34.13.
Variant type: single nucleotide variant.
Coding change: c.1198C>T on transcript NM_000368.5 (MANE Select); coding-DNA position 1198, C replaced by T.
Protein change: p.Leu400Phe; replaces leucine 400 with phenylalanine.
Molecular consequence: missense variant.
Genome position (GRCh38, 1-based): chr9:132,910,636, G>A on the plus strand (C>T on the coding strand, the complement: TSC1 is on the minus strand). VCF-style: chr9-132910636-G-A. GRCh37 (hg19) VCF-style: chr9-135786023-G-A.
Other names: c.1195C>T, p.Leu399Phe (NM_001162426.2); c.1045C>T, p.Leu349Phe (NM_001162427.2); c.835C>T, p.Leu279Phe (NM_001362177.2); short protein forms L279F, L400F, L349F, L399F.
Identifiers: ClinVar variation 845808 (VCV000845808.9), dbSNP rs773160913, ClinGen allele CA027238.